The following is an entry in ClinVar:

NM_000541.5(SAG):c.286CCT[1] (p.Pro97del)

Gene: SAG (S-antigen visual arrestin; plus strand). Cytogenetic location: 2q37.1.
Variant type: Microsatellite.
Coding change: c.286CCT[1] on transcript NM_000541.5 (MANE Select); one copy of the 3-base unit CCT starting at c.286; the reference has two copies in a row; one copy, 3 bases deleted.
Protein change: p.Pro97del; deletes proline 97.
Molecular consequence: inframe deletion.
Genome position (GRCh38, 1-based): chr2:233,320,737-233,320,739, CCT deleted; deleting any 3 consecutive bases within chr2:233,320,733-233,320,739 gives the same sequence; the position shown is the placement nearest the transcript's 3' end. VCF-style (leftmost placement, unchanged base first): chr2-233320732-ATCC-A. GRCh37 (hg19) VCF-style: chr2-234229378-ATCC-A.
Other names: short protein forms P97del.
Identifiers: ClinVar variation 1046052 (VCV001046052.10), dbSNP rs1700355214, ClinGen allele CA1335686569.
Genomic context (GRCh38, chr2:233,320,732, plus strand): 5'-ACATTGACGTGATCGGCTTGACCTTCCGCAGGGACCTGTACTTCTCCCGGGTCCAGGTGT[ATCC>A]TCCTGTGGGGGCCGCGAGCACCCCCACAAAACTGCAAGAGAGCCTGCTTAAAAAGCTGGG-3'

ClinVar aggregate classification (germline): Uncertain significance (1 of 4 stars; one submission).

Submission:

Labcorp Genetics (formerly Invitae), Labcorp
Classification: Uncertain significance. Last evaluated: 2022-02-24. Review status: criteria provided, single submitter. Criteria: Invitae Variant Classification Sherloc (09022015). Collection method: clinical testing. Allele origin: germline.
Comment: This variant, c.289_291del, results in the deletion of 1 amino acid(s) of the SAG protein (p.Pro97del), but otherwise preserves the integrity of the reading frame. This variant is not present in population databases (gnomAD no frequency). This variant has not been reported in the literature in individuals affected with SAG-related conditions. Experimental studies and prediction algorithms are not available or were not evaluated, and the functional significance of this variant is currently unknown. In summary, the available evidence is currently insufficient to determine the role of this variant in disease. Therefore, it has been classified as a Variant of Uncertain Significance.